The following is an entry in ClinVar:

NM_001276345.2(TNNT2):c.479A>G (p.Asn160Ser)

Gene: TNNT2 (troponin T2, cardiac type; minus strand). Cytogenetic location: 1q32.1.
Variant type: single nucleotide variant.
Coding change: c.479A>G on transcript NM_001276345.2 (MANE Select); coding-DNA position 479, A replaced by G.
Protein change: p.Asn160Ser; replaces asparagine 160 with serine.
Molecular consequence: missense variant.
Genome position (GRCh38, 1-based): chr1:201,364,308, T>C on the plus strand (A>G on the coding strand, the complement: TNNT2 is on the minus strand). VCF-style: chr1-201364308-T-C. GRCh37 (hg19) VCF-style: chr1-201333436-T-C.
Other names: c.479A>G, p.Asn160Ser (NM_000364.4, NM_001406723.1); c.449A>G, p.Asn150Ser (NM_001001430.3, NM_001001431.3, NM_001276347.2 and 3 more transcripts); c.434A>G, p.Asn145Ser (NM_001001432.3, NM_001406728.1); c.359A>G, p.Asn120Ser (NM_001276346.2); c.446A>G, p.Asn149Ser (NM_001406725.1); short protein forms N120S, N145S, N149S, N150S, N160S.
Identifiers: ClinVar variation 3071777 (VCV003071777.1), dbSNP rs770666870, ClinGen allele CA077267.

ClinVar aggregate classification (germline): Uncertain significance (1 of 4 stars; one submission).

Conditions:
Cardiomyopathy (CMYO). Also called: Cardiomyopathies. Identifiers: Orphanet 167848, MedGen C0878544, MONDO:0004994, HP:0001638. Inheritance: Various modes of inheritance.

Allele frequency attached by ClinVar (database versions not stated): gnomAD exomes below 0.00001; ExAC 0.00001.
gnomAD v4.1: 1 of 1,612,766 alleles (0.000062%); highest among the groups gnomAD compares: Non-Finnish European, 0.000085%; no homozygotes.

Submission:

All of Us Research Program, National Institutes of Health
Classification: Uncertain significance for Cardiomyopathy. Last evaluated: 2023-06-26. Review status: criteria provided, single submitter. Criteria: ACMG Guidelines, 2015. Collection method: clinical testing. Allele origin: germline. Inheritance: Autosomal dominant inheritance. Observed: 1 variant allele, 1 heterozygote.
Comment: This missense variant replaces asparagine with serine at codon 150 of the TNNT2 protein. Computational prediction suggests that this variant may not impact protein structure and function (internally defined REVEL score threshold <= 0.5, PMID: 27666373). To our knowledge, functional studies have not been reported for this variant. This variant has not been reported in individuals affected with cardiovascular disorders in the literature. This variant has been identified in 1/249036 chromosomes in the general population by the Genome Aggregation Database (gnomAD). The available evidence is insufficient to determine the role of this variant in disease conclusively. Therefore, this variant is classified as a Variant of Uncertain Significance.

This study involves interpretation of variants in research participants for the purpose of population health screening. Participant phenotype was not available at the time of variant classification. Additional details can be found in publication PMID: 35346344, PMCID: PMC8962531